The following is an entry in ClinVar:

NM_000448.3(RAG1):c.2434C>T (p.Gln812Ter)

Gene: RAG1 (recombination activating 1; plus strand). Cytogenetic location: 11p12.
Variant type: single nucleotide variant.
Coding change: c.2434C>T on transcript NM_000448.3 (MANE Select); coding-DNA position 2434, C replaced by T.
Protein change: p.Gln812Ter; replaces glutamine 812 with a stop codon.
Molecular consequence: nonsense.
Genome position (GRCh38, 1-based): chr11:36,575,738, C>T. VCF-style: chr11-36575738-C-T. GRCh37 (hg19) VCF-style: chr11-36597288-C-T.
Other names: c.2434C>T, p.Gln812Ter (NM_001377277.1, NM_001377278.1, NM_001377279.1 and 1 more transcripts); short protein forms Q812*.
Identifiers: ClinVar variation 2925480 (VCV002925480.3), dbSNP rs2494760278, ClinGen allele CA380154715.

ClinVar aggregate classification (germline): Pathogenic (1 of 4 stars; one submission).

Conditions:
Combined immunodeficiency with skin granulomas. Identifiers: Orphanet 157949, MedGen C2673536, MONDO:0009306, OMIM 233650.
Severe combined immunodeficiency, autosomal recessive, T cell-negative, B cell-negative, NK cell-positive. Also called: SCID, AR, T-cell negative, B-cell negative, NK cell-positive; Severe combined immunodeficiency due to complete RAG1/2 deficiency; SCID, T CELL-NEGATIVE, B CELL-NEGATIVE, NK CELL-POSITIVE. Identifiers: Orphanet 331206, MedGen C1832322, MONDO:0011086, OMIM 601457.

Submission:

Labcorp Genetics (formerly Invitae), Labcorp
Classification: Pathogenic for Combined immunodeficiency with skin granulomas; Severe combined immunodeficiency, autosomal recessive, T cell-negative, B cell-negative, NK cell-positive. Last evaluated: 2023-03-03. Review status: criteria provided, single submitter. Criteria: Invitae Variant Classification Sherloc (09022015). Collection method: clinical testing. Allele origin: germline.
Comment: This sequence change creates a premature translational stop signal (p.Gln812*) in the RAG1 gene. While this is not anticipated to result in nonsense mediated decay, it is expected to disrupt the last 232 amino acid(s) of the RAG1 protein. This variant is not present in population databases (gnomAD no frequency). This premature translational stop signal has been observed in individual(s) with severe combined immunodeficiency (PMID: 30307608). This variant disrupts a region of the RAG1 protein in which other variant(s) (p.Trp959*) have been determined to be pathogenic (PMID: 11133745, 24290284, 24406074). This suggests that this is a clinically significant region of the protein, and that variants that disrupt it are likely to be disease-causing. For these reasons, this variant has been classified as Pathogenic.

Literature cited by the submitters: PubMed 30307608; PubMed 11133745; PubMed 24290284; PubMed 24406074.